The following is an entry in ClinVar:

ClinVar aggregate classification (germline): Conflicting classifications of pathogenicity. Review status: criteria provided, conflicting classifications (1 of 4 stars). 2 submissions from 2 submitters: Uncertain significance (1); Likely benign (1). Last evaluated 2018-01-13.

Conditions:
Autosomal dominant nonsyndromic hearing loss 4A. Also called: Deafness, autosomal dominant 4A. Identifiers: Orphanet 90635, MedGen C1833503, MONDO:0010915, OMIM 600652.

Allele frequency attached by ClinVar (database versions not stated): gnomAD below 0.00001 and 0.00001; TOPMed 0.00001; gnomAD exomes 0.00002; ExAC 0.00005.
gnomAD v4.1: 7 of 1,551,824 alleles (0.00045%); highest among the groups gnomAD compares: Middle Eastern, 0.05%; no homozygotes.

Submissions (2):

Illumina Laboratory Services, Illumina
Classification: Uncertain significance for Autosomal dominant nonsyndromic hearing loss 4A. Last evaluated: 2018-01-13. Review status: criteria provided, single submitter. Criteria: ICSL Variant Classification Criteria 13 December 2019. Collection method: clinical testing. Allele origin: germline.

Laboratory for Molecular Medicine, Mass General Brigham Personalized Medicine
Classification: Likely benign. Last evaluated: 2014-02-11. Review status: criteria provided, single submitter. Criteria: LMM Criteria. Collection method: clinical testing. Allele origin: germline. Observed: 1 variant allele.
Comment: Glu1384Glu in Exon 32 of MYH14: This variant is not expected to have clinical si gnificance because it does not alter an amino acid residue and is not located wi thin the splice consensus sequence.

NM_001145809.2(MYH14):c.4152G>A (p.Glu1384=)

Gene: MYH14 (myosin heavy chain 14; plus strand). Cytogenetic location: 19q13.33.
Variant type: single nucleotide variant.
Coding change: c.4152G>A on transcript NM_001145809.2 (MANE Select); coding-DNA position 4152, G replaced by A.
Protein change: p.Glu1384=; no amino-acid change (glutamic acid 1384 retained).
Molecular consequence: synonymous variant.
Genome position (GRCh38, 1-based): chr19:50,280,245, G>A. VCF-style: chr19-50280245-G-A. GRCh37 (hg19) VCF-style: chr19-50783502-G-A.
Other names: c.4053G>A, p.Glu1351= (NM_001077186.2); c.4029G>A, p.Glu1343= (NM_024729.4).
Identifiers: ClinVar variation 179582 (VCV000179582.8), dbSNP rs727504965, ClinGen allele CA184712.